The following is an entry in ClinVar:

NM_000996.4(RPL35A):c.162G>T (p.Lys54Asn)

Genes: DRC9 (dynein regulatory complex subunit 9; minus strand), RPL35A (ribosomal protein L35a; plus strand). Cytogenetic location: 3q29.
Variant type: single nucleotide variant.
Coding change: c.162G>T on transcript NM_000996.4 (MANE Select); coding-DNA position 162, G replaced by T.
Protein change: p.Lys54Asn; replaces lysine 54 with asparagine.
Molecular consequence: missense variant. On other transcripts: intron variant (3).
Genome position (GRCh38, 1-based): chr3:197,951,309, G>T. VCF-style: chr3-197951309-G-T. GRCh37 (hg19) VCF-style: chr3-197678180-G-T.
Other names: c.-59-5623C>A (NM_032263.5); c.-374-5623C>A (NM_001323029.2); c.162G>T, p.Lys54Asn (NM_001316311.2); c.-49-7258C>A (NM_001323028.2); short protein forms K54N.
Identifiers: ClinVar variation 2963156 (VCV002963156.3), dbSNP rs1047441058, ClinGen allele CA355902840.

ClinVar aggregate classification (germline): Uncertain significance (1 of 4 stars; one submission).

Conditions:
Diamond-Blackfan anemia 5 (DBA5). Also called: RPL35A-Related Diamond-Blackfan Anemia. Identifiers: Orphanet 124, MedGen C2675859, MONDO:0012925, OMIM 612528.

Allele frequency attached by ClinVar (database versions not stated): gnomAD exomes 0.00001; TOPMed 0.00005; gnomAD 0.00008.
gnomAD v4.1: 15 of 1,613,894 alleles (0.00093%); highest among the groups gnomAD compares: Admixed American, 0.025%; no homozygotes.

Submission:

Labcorp Genetics (formerly Invitae), Labcorp
Classification: Uncertain significance for Diamond-Blackfan anemia 5. Last evaluated: 2023-08-19. Review status: criteria provided, single submitter. Criteria: Invitae Variant Classification Sherloc (09022015). Collection method: clinical testing. Allele origin: germline.
Comment: This variant has not been reported in the literature in individuals affected with RPL35A-related conditions. An algorithm developed to predict the effect of missense changes on protein structure and function (PolyPhen-2) suggests that this variant is likely to be tolerated. In summary, the available evidence is currently insufficient to determine the role of this variant in disease. Therefore, it has been classified as a Variant of Uncertain Significance. This variant is present in population databases (no rsID available, gnomAD 0.02%), including at least one homozygous and/or hemizygous individual. This sequence change replaces lysine, which is basic and polar, with asparagine, which is neutral and polar, at codon 54 of the RPL35A protein (p.Lys54Asn).